The following is an entry in ClinVar:

NM_004329.3(BMPR1A):c.746G>A (p.Trp249Ter)

Gene: BMPR1A (bone morphogenetic protein receptor type 1A; plus strand). Cytogenetic location: 10q23.2.
Variant type: single nucleotide variant.
Coding change: c.746G>A on transcript NM_004329.3 (MANE Select); coding-DNA position 746, G replaced by A.
Protein change: p.Trp249Ter; replaces tryptophan 249 with a stop codon.
Molecular consequence: nonsense.
Genome position (GRCh38, 1-based): chr10:86,917,204, G>A. VCF-style: chr10-86917204-G-A. GRCh37 (hg19) VCF-style: chr10-88676961-G-A.
Other names: c.821G>A, p.Trp274Ter (NM_001406559.1); c.794G>A, p.Trp265Ter (NM_001406560.1); c.746G>A, p.Trp249Ter (NM_001406561.1, NM_001406562.1, NM_001406563.1 and 19 more transcripts); c.740G>A, p.Trp247Ter (NM_001406583.1); c.662G>A, p.Trp221Ter (NM_001406584.1, NM_001406585.1, NM_001406586.1 and 2 more transcripts); c.404G>A, p.Trp135Ter (NM_001406589.1); short protein forms W274*, W221*, W247*, W265*, W135*, W249*.
Identifiers: ClinVar variation 2109841 (VCV002109841.4), dbSNP rs2539603429, ClinGen allele CA377457497.

ClinVar aggregate classification (germline): Pathogenic (1 of 4 stars; one submission).

Conditions:
Juvenile polyposis syndrome (JPS). Identifiers: Orphanet 2929, MedGen C0345893, MONDO:0017380, OMIM 174900.

Submission:

Labcorp Genetics (formerly Invitae), Labcorp
Classification: Pathogenic for Juvenile polyposis syndrome. Last evaluated: 2024-05-21. Review status: criteria provided, single submitter. Criteria: Invitae Variant Classification Sherloc (09022015). Collection method: clinical testing. Allele origin: germline.
Comment: This sequence change creates a premature translational stop signal (p.Trp249*) in the BMPR1A gene. It is expected to result in an absent or disrupted protein product. Loss-of-function variants in BMPR1A are known to be pathogenic (PMID: 11536076, 12417513). This variant is not present in population databases (gnomAD no frequency). This variant has not been reported in the literature in individuals affected with BMPR1A-related conditions. ClinVar contains an entry for this variant (Variation ID: 2109841). For these reasons, this variant has been classified as Pathogenic.

Literature cited by the submitters: PubMed 11536076; PubMed 12417513.